The following is an entry in ClinVar:

ClinVar aggregate classification (germline): Uncertain significance (1 of 4 stars; one submission).

Submission:

Labcorp Genetics (formerly Invitae), Labcorp
Classification: Uncertain significance. Last evaluated: 2023-07-07. Review status: criteria provided, single submitter. Criteria: Invitae Variant Classification Sherloc (09022015). Collection method: clinical testing. Allele origin: germline.
Comment: Experimental studies and prediction algorithms are not available or were not evaluated, and the functional significance of this variant is currently unknown. In summary, the available evidence is currently insufficient to determine the role of this variant in disease. Therefore, it has been classified as a Variant of Uncertain Significance. This variant has not been reported in the literature in individuals affected with SLC1A2-related conditions. This variant is not present in population databases (gnomAD no frequency). This variant, c.106_111del, results in the deletion of 2 amino acid(s) of the SLC1A2 protein (p.Arg36_Leu37del), but otherwise preserves the integrity of the reading frame.

NM_004171.4(SLC1A2):c.106_111del (p.Arg36_Leu37del)

Gene: SLC1A2 (solute carrier family 1 member 2; minus strand). Cytogenetic location: 11p13.
Variant type: Deletion.
Coding change: c.106_111del on transcript NM_004171.4 (MANE Select); coding-DNA positions 106 to 111, 6 bases deleted (CGCCTG; older notation c.106_111delCGCCTG).
Protein change: p.Arg36_Leu37del.
Molecular consequence: inframe deletion.
Genome position (GRCh38, 1-based): chr11:35,317,423-35,317,428, CAGGCG deleted on the plus strand (CGCCTG on the coding strand, the reverse complement: SLC1A2 is on the minus strand); deleting any 6 consecutive bases within chr11:35,317,423-35,317,433 gives the same sequence; the c. name uses the placement nearest the transcript's 3' end. VCF-style (leftmost placement, unchanged base first): chr11-35317422-ACAGGCG-A. GRCh37 (hg19) VCF-style: chr11-35338969-ACAGGCG-A.
Other names: c.79_84del, p.Arg27_Leu28del (NM_001195728.3, NM_001252652.2).
Identifiers: ClinVar variation 2718926 (VCV002718926.3), dbSNP rs2497942774, ClinGen allele CA2613111101.